The following is an entry in ClinVar:

ClinVar aggregate classification (germline): Uncertain significance (1 of 4 stars; one submission).

Allele frequency attached by ClinVar (database versions not stated): ExAC 0.00001; gnomAD exomes 0.00001; TOPMed 0.00002.
gnomAD v4.1: 4 of 1,614,172 alleles (0.00025%); highest among the groups gnomAD compares: Admixed American, 0.0033%; no homozygotes.

Submission:

Labcorp Genetics (formerly Invitae), Labcorp
Classification: Uncertain significance. Last evaluated: 2021-03-24. Review status: criteria provided, single submitter. Criteria: Invitae Variant Classification Sherloc (09022015). Collection method: clinical testing. Allele origin: germline.
Comment: This sequence change replaces tyrosine with histidine at codon 71 of the NANS protein (p.Tyr71His). The tyrosine residue is highly conserved and there is a moderate physicochemical difference between tyrosine and histidine. This variant is present in population databases (rs770845183, ExAC 0.001%). This variant has not been reported in the literature in individuals with NANS-related conditions. Algorithms developed to predict the effect of missense changes on protein structure and function (SIFT, PolyPhen-2, Align-GVGD) all suggest that this variant is likely to be disruptive, but these predictions have not been confirmed by published functional studies and their clinical significance is uncertain. In summary, the available evidence is currently insufficient to determine the role of this variant in disease. Therefore, it has been classified as a Variant of Uncertain Significance.

NM_018946.4(NANS):c.211T>C (p.Tyr71His)

Genes: TRIM14 (tripartite motif containing 14; minus strand), NANS (N-acetylneuraminate synthase; plus strand). Cytogenetic location: 9q22.33.
Variant type: single nucleotide variant.
Coding change: c.211T>C on transcript NM_018946.4 (MANE Select); coding-DNA position 211, T replaced by C.
Protein change: p.Tyr71His; replaces tyrosine 71 with histidine.
Molecular consequence: missense variant.
Genome position (GRCh38, 1-based): chr9:98,060,860, T>C. VCF-style: chr9-98060860-T-C. GRCh37 (hg19) VCF-style: chr9-100823142-T-C.
Other names: short protein forms Y71H.
Identifiers: ClinVar variation 1359730 (VCV001359730.8), dbSNP rs770845183, ClinGen allele CA5150210.